The following is an entry in ClinVar:

ClinVar aggregate classification (germline): Uncertain significance. Review status: criteria provided, multiple submitters, no conflicts (2 of 4 stars). 2 submissions from 2 submitters: Uncertain significance (2). Last evaluated 2022-10-17.

Conditions:
Ehlers-Danlos syndrome, kyphoscoliotic type 1 (EDSKSCL1). Also called: EHLERS-DANLOS SYNDROME, OCULAR-SCOLIOTIC TYPE; Ehlers-Danlos syndrome, hydroxylysine-deficient; PLOD1-Related Kyphoscoliotic Ehlers-Danlos Syndrome; EHLERS-DANLOS SYNDROME, TYPE VIA. Identifiers: Orphanet 1900, MedGen C0268342, MONDO:0016002, OMIM 225400. Disease mechanism: loss of function.
Familial thoracic aortic aneurysm and aortic dissection (TAAD). Also called: Thoracic aortic aneurysms and dissections. Identifiers: Orphanet 91387, MedGen C4707243, MONDO:0019625.

Submissions (2):

Labcorp Genetics (formerly Invitae), Labcorp
Classification: Uncertain significance for Ehlers-Danlos syndrome, kyphoscoliotic type 1. Last evaluated: 2022-10-17. Review status: criteria provided, single submitter. Criteria: Invitae Variant Classification Sherloc (09022015). Collection method: clinical testing. Allele origin: germline.
Comment: Advanced modeling of protein sequence and biophysical properties (such as structural, functional, and spatial information, amino acid conservation, physicochemical variation, residue mobility, and thermodynamic stability) performed at Invitae indicates that this missense variant is expected to disrupt PLOD1 protein function. ClinVar contains an entry for this variant (Variation ID: 520114). This variant has not been reported in the literature in individuals affected with PLOD1-related conditions. This variant is not present in population databases (gnomAD no frequency). This sequence change replaces aspartic acid, which is acidic and polar, with glycine, which is neutral and non-polar, at codon 382 of the PLOD1 protein (p.Asp382Gly). In summary, the available evidence is currently insufficient to determine the role of this variant in disease. Therefore, it has been classified as a Variant of Uncertain Significance.

Ambry Genetics
Classification: Uncertain significance for Familial thoracic aortic aneurysm and aortic dissection. Last evaluated: 2016-12-07. Review status: criteria provided, single submitter. Criteria: Ambry Variant Classification Scheme 2023. Collection method: clinical testing. Allele origin: germline.
Comment: The p.D382G variant (also known as c.1145A>G), located in coding exon 11 of the PLOD1 gene, results from an A to G substitution at nucleotide position 1145. The aspartic acid at codon 382 is replaced by glycine, an amino acid with similar properties. This amino acid position is highly conserved in available vertebrate species. In addition, this alteration is predicted to be deleterious by in silico analysis. Since supporting evidence is limited at this time, the clinical significance of this alteration remains unclear.

NM_000302.4(PLOD1):c.1145A>G (p.Asp382Gly)

Gene: PLOD1 (procollagen-lysine,2-oxoglutarate 5-dioxygenase 1; plus strand). Cytogenetic location: 1p36.22.
Variant type: single nucleotide variant.
Coding change: c.1145A>G on transcript NM_000302.4 (MANE Select); coding-DNA position 1145, A replaced by G.
Protein change: p.Asp382Gly; replaces aspartic acid 382 with glycine.
Molecular consequence: missense variant.
Genome position (GRCh38, 1-based): chr1:11,963,579, A>G. VCF-style: chr1-11963579-A-G. GRCh37 (hg19) VCF-style: chr1-12023636-A-G.
Other names: c.1286A>G, p.Asp429Gly (NM_001316320.2); short protein forms D382G, D429G.
Identifiers: ClinVar variation 520114 (VCV000520114.10), dbSNP rs998178222, ClinGen allele CA338439993.
Genomic context (GRCh38, chr1:11,963,579, plus strand): 5'-CTCCTCCTTGCAGAGACCTGTGCCGGCAGGACCGCAGCTGCACCTACTACTTCAGCGTGG[A>G]TGCTGACGTGGCCCTGACCGAGCCCAACAGCCTGCGGCTGCTGATCCAACAGAACAAGTG-3'
Protein context (NP_000293.2, residues 372-392): DRSCTYYFSV[Asp382Gly]ADVALTEPNS